The following is an entry in ClinVar:

NM_000038.6(APC):c.3622A>T (p.Thr1208Ser)

Gene: APC (APC regulator of Wnt signaling pathway; plus strand). Cytogenetic location: 5q22.2.
Variant type: single nucleotide variant.
Coding change: c.3622A>T on transcript NM_000038.6 (MANE Select); coding-DNA position 3622, A replaced by T.
Protein change: p.Thr1208Ser; replaces threonine 1208 with serine.
Molecular consequence: missense variant. On other transcripts: non-coding transcript variant (2).
Genome position (GRCh38, 1-based): chr5:112,839,216, A>T. VCF-style: chr5-112839216-A-T. GRCh37 (hg19) VCF-style: chr5-112174913-A-T.
Other names: c.3652A>T, p.Thr1218Ser (NM_001354897.2); c.3547A>T, p.Thr1183Ser (NM_001354898.2); c.3538A>T, p.Thr1180Ser (NM_001354899.2); c.3499A>T, p.Thr1167Ser (NM_001354900.2); c.3445A>T, p.Thr1149Ser (NM_001354901.2, NM_001407453.1); c.3349A>T, p.Thr1117Ser (NM_001354902.2); c.3319A>T, p.Thr1107Ser (NM_001354903.2, NM_001407458.1, NM_001407459.1 and 1 more transcripts); c.3244A>T, p.Thr1082Ser (NM_001354904.2); and 11 more; short protein forms T1048S, T1117S, T1149S, T1226S, T1082S, T1183S, T824S, T1079S.
Identifiers: ClinVar variation 4121029 (VCV004121029.1).

ClinVar aggregate classification (germline): Uncertain significance (1 of 4 stars; one submission).

Conditions:
Hereditary cancer-predisposing syndrome. Also called: Hereditary neoplastic syndrome; Neoplastic Syndromes, Hereditary; Tumor predisposition; Hereditary Cancer Syndrome. Identifiers: Orphanet 140162, MedGen C0027672, MeSH D009386, MONDO:0015356.

Submission:

Ambry Genetics
Classification: Uncertain significance for Hereditary cancer-predisposing syndrome. Last evaluated: 2025-07-17. Review status: criteria provided, single submitter. Criteria: Ambry Variant Classification Scheme 2023. Collection method: clinical testing. Allele origin: germline.
Comment: The p.T1208S variant (also known as c.3622A>T), located in coding exon 15 of the APC gene, results from an A to T substitution at nucleotide position 3622. The threonine at codon 1208 is replaced by serine, an amino acid with similar properties. This amino acid position is conserved. In addition, in silico predictors for this gene do not accurately predict pathogenicity. Based on the available evidence, the clinical significance of this variant remains unclear.